The following is an entry in ClinVar:

NM_001126108.2(SLC12A3):c.587G>T (p.Gly196Val)

Gene: SLC12A3 (solute carrier family 12 member 3; plus strand). Cytogenetic location: 16q13.
Variant type: single nucleotide variant.
Coding change: c.587G>T on transcript NM_001126108.2 (MANE Select); coding-DNA position 587, G replaced by T.
Protein change: p.Gly196Val; replaces glycine 196 with valine.
Molecular consequence: missense variant.
Genome position (GRCh38, 1-based): chr16:56,869,810, G>T. VCF-style: chr16-56869810-G-T. GRCh37 (hg19) VCF-style: chr16-56903722-G-T.
Other names: c.587G>T (NM_000339.2); c.587G>T, p.Gly196Val (NM_000339.3); c.584G>T, p.Gly195Val (NM_001126107.2, NM_001410896.1); short protein forms G196V, G195V.
Identifiers: ClinVar variation 2736344 (VCV002736344.7), dbSNP rs1290372649, ClinGen allele CA395981182.

ClinVar aggregate classification (germline): Conflicting classifications of pathogenicity. Review status: criteria provided, conflicting classifications (1 of 4 stars). 4 submissions from 4 submitters: Pathogenic (1); Likely pathogenic (2); Uncertain significance (1). Last evaluated 2024-08-15.

Conditions:
Familial hypokalemia-hypomagnesemia (GTLMNS). Also called: HYPOMAGNESEMIA-HYPOKALEMIA, PRIMARY RENOTUBULAR, WITH HYPOCALCIURIA; POTASSIUM AND MAGNESIUM DEPLETION; gitelman syndrome. Identifiers: Orphanet 358, MedGen C0268450, MONDO:0009904, OMIM 263800.

Allele frequency attached by ClinVar (database versions not stated): gnomAD 0.00001.
gnomAD v4.1: 2 of 1,613,970 alleles (0.00012%); highest among the groups gnomAD compares: East Asian, 0.0045%; no homozygotes.

Submissions (4):

Natera, Inc.
Classification: Likely pathogenic for Gitelman syndrome. Last evaluated: 2024-08-15. Review status: criteria provided, single submitter. Criteria: Natera Variant Classification Schema (03/2026). Collection method: clinical testing. Allele origin: germline.
Comment: The c.587G>T variant in SLC12A3 is a missense variant predicted to cause substitution of glycine to valine at amino acid 196. This variant is rare in the general population with a frequency below the threshold expected for the associated phenotype(s). This variant has been observed in one or more individuals affected with the associated recessive disease, as either homozygous or compound heterozygous with a second variant (PMID: 26121437, 18287808, 22934535). Computational prediction algorithms indicate this variant is likely to affect gene or protein function. Given the available evidence, this variant is classified as Likely Pathogenic.

GeneDx
Classification: Uncertain significance. Last evaluated: 2024-07-05. Review status: criteria provided, single submitter. Criteria: GeneDx Variant Classification Process June 2021. Collection method: clinical testing. Allele origin: germline. Affected: yes.
Comment: Not observed at significant frequency in large population cohorts (gnomAD); In silico analysis supports that this missense variant has a deleterious effect on protein structure/function; This variant is associated with the following publications: (PMID: 28700713, 18287808, 31398183, 26121437, 22934535, 25841442, 28432081)

Labcorp Genetics (formerly Invitae), Labcorp
Classification: Pathogenic. Last evaluated: 2024-01-11. Review status: criteria provided, single submitter. Criteria: Invitae Variant Classification Sherloc (09022015). Collection method: clinical testing. Allele origin: germline.
Comment: This sequence change replaces glycine, which is neutral and non-polar, with valine, which is neutral and non-polar, at codon 196 of the SLC12A3 protein (p.Gly196Val). This variant is present in population databases (no rsID available, gnomAD 0.006%). This missense change has been observed in individuals with Gitelman syndrome (PMID: 18287808, 22934535, 26121437). Advanced modeling of protein sequence and biophysical properties (such as structural, functional, and spatial information, amino acid conservation, physicochemical variation, residue mobility, and thermodynamic stability) performed at Invitae indicates that this missense variant is expected to disrupt SLC12A3 protein function with a positive predictive value of 95%. For these reasons, this variant has been classified as Pathogenic.

Juno Genomics, Hangzhou Juno Genomics, Inc
Classification: Likely pathogenic for Familial hypokalemia-hypomagnesemia. Review status: criteria provided, single submitter. Criteria: ACMG Guidelines, 2015. Collection method: clinical testing. Allele origin: germline.
Comment: Absent from controls (or at extremely low frequency if recessive) in Genome Aggregation Database.;Multiple lines of computational evidence support a deleterious effect on the gene or gene product.;For recessive disorders, detected in trans with a pathogenic variant.;Patient's phenotype or family history is highly specific for a disease with a single genetic etiology.

Literature cited by the submitters: PubMed 26121437 (cited by Natera, Inc. and Labcorp Genetics (formerly Invitae), Labcorp); PubMed 18287808 (cited by Natera, Inc. and Labcorp Genetics (formerly Invitae), Labcorp); PubMed 22934535 (cited by Natera, Inc. and Labcorp Genetics (formerly Invitae), Labcorp).